The following is an entry in ClinVar:

ClinVar aggregate classification (germline): Uncertain significance. Review status: criteria provided, multiple submitters, no conflicts (2 of 4 stars). 3 submissions from 3 submitters: Uncertain significance (3). Last evaluated 2026-01-27.

Conditions:
Bethlem myopathy 1A. Also called: Bethlem Muscular Dystrophy; MYOPATHY, BENIGN CONGENITAL, WITH CONTRACTURES; Bethlem myopathy 1. Identifiers: Orphanet 610, MedGen CN029274, MONDO:0024530, OMIM 158810.

Allele frequency attached by ClinVar (database versions not stated): gnomAD 0.00001 and 0.00002; TOPMed 0.00002.
gnomAD v4.1: 61 of 1,613,036 alleles (0.0038%); highest among the groups gnomAD compares: Non-Finnish European, 0.0047%; no homozygotes.

Submissions (3):

Labcorp Genetics (formerly Invitae), Labcorp
Classification: Uncertain significance for Bethlem myopathy 1A. Last evaluated: 2026-01-27. Review status: criteria provided, single submitter. Criteria: Invitae Variant Classification Sherloc (09022015). Collection method: clinical testing. Allele origin: germline.
Comment: This sequence change replaces phenylalanine, which is neutral and non-polar, with leucine, which is neutral and non-polar, at codon 77 of the COL6A2 protein (p.Phe77Leu). This variant is not present in population databases (gnomAD no frequency). This missense change has been observed in individual(s) with clinical suspicion of limb-girdle muscular dystrophy (PMID: 30564623). ClinVar contains an entry for this variant (Variation ID: 289146). Invitae Evidence Modeling of protein sequence and biophysical properties (such as structural, functional, and spatial information, amino acid conservation, physicochemical variation, residue mobility, and thermodynamic stability) indicates that this missense variant is not expected to disrupt COL6A2 protein function with a negative predictive value of 80%. In summary, the available evidence is currently insufficient to determine the role of this variant in disease. Therefore, it has been classified as a Variant of Uncertain Significance.

Revvity Omics, Revvity
Classification: Uncertain significance. Last evaluated: 2019-05-30. Review status: criteria provided, single submitter. Criteria: ACMG Guidelines, 2015. Collection method: clinical testing. Allele origin: germline.

Eurofins Ntd Llc (ga)
Classification: Uncertain significance. Last evaluated: 2018-06-04. Review status: criteria provided, single submitter. Criteria: EGL ClinVar v180209 classification definitions. Collection method: clinical testing. Allele origin: germline. Observed: 1 variant allele, 1 heterozygote.

Literature cited by the submitters: PubMed 30564623 (cited by Labcorp Genetics (formerly Invitae), Labcorp).

NM_001849.4(COL6A2):c.229T>C (p.Phe77Leu)

Gene: COL6A2 (collagen type VI alpha 2 chain; plus strand). Cytogenetic location: 21q22.3.
Variant type: single nucleotide variant.
Coding change: c.229T>C on transcript NM_001849.4 (MANE Select); coding-DNA position 229, T replaced by C.
Protein change: p.Phe77Leu; replaces phenylalanine 77 with leucine.
Molecular consequence: missense variant.
Genome position (GRCh38, 1-based): chr21:46,112,092, T>C. VCF-style: chr21-46112092-T-C. GRCh37 (hg19) VCF-style: chr21-47532006-T-C.
Other names: c.229T>C, p.Phe77Leu (NM_058174.3, NM_058175.3); short protein forms F77L.
Identifiers: ClinVar variation 289146 (VCV000289146.16), dbSNP rs199736749, ClinGen allele CA10606346.